The following is an entry in ClinVar:

NM_001385875.1(ZFYVE27):c.198-1G>A

Gene: ZFYVE27 (zinc finger FYVE-type containing 27; plus strand). Cytogenetic location: 10q24.2.
Variant type: single nucleotide variant.
Coding change: c.198-1G>A on transcript NM_001385875.1 (MANE Select); the canonical splice acceptor site of the intron before coding-DNA position 198, G replaced by A.
Molecular consequence: splice acceptor variant. On other transcripts: intron variant (21).
Genome position (GRCh38, 1-based): chr10:97,743,093, G>A. VCF-style: chr10-97743093-G-A. GRCh37 (hg19) VCF-style: chr10-99502850-G-A.
Other names: c.198-1G>A (NM_001385876.1, NM_001385871.1, NM_001385879.1 and 12 more transcripts); c.32-1636G>A (NM_001385903.1, NM_001385899.1, NM_001385904.1 and 3 more transcripts); c.197+4419G>A (NM_001385902.1, NM_001385908.1, NM_001385901.1 and 5 more transcripts); c.-7-1G>A (NM_001385890.1, NM_001385895.1, NM_001385897.1 and 6 more transcripts); c.173-1636G>A (NM_001385888.1, NM_001385885.1, NM_001385887.1 and 1 more transcripts); c.-26-1636G>A (NM_001385915.1, NM_001174121.2); c.31+4419G>A (NM_001385919.1).
Identifiers: ClinVar variation 2747840 (VCV002747840.3), dbSNP rs2540424082, ClinGen allele CA377996301.

ClinVar aggregate classification (germline): Uncertain significance (1 of 4 stars; one submission).

Conditions:
Spastic paraplegia. Identifiers: MedGen C0037772, HP:0001258.

Submission:

Labcorp Genetics (formerly Invitae), Labcorp
Classification: Uncertain significance for Spastic paraplegia. Last evaluated: 2023-08-19. Review status: criteria provided, single submitter. Criteria: Invitae Variant Classification Sherloc (09022015). Collection method: clinical testing. Allele origin: germline.
Comment: In summary, the available evidence is currently insufficient to determine the role of this variant in disease. Therefore, it has been classified as a Variant of Uncertain Significance. Algorithms developed to predict the effect of sequence changes on RNA splicing suggest that this variant may disrupt the consensus splice site. This variant has not been reported in the literature in individuals affected with ZFYVE27-related conditions. This variant is not present in population databases (gnomAD no frequency). This sequence change affects an acceptor splice site in intron 1 of the ZFYVE27 gene. It is expected to disrupt RNA splicing. Variants that disrupt the donor or acceptor splice site typically lead to a loss of protein function (PMID: 16199547), however the current clinical and genetic evidence is not sufficient to establish whether loss-of-function variants in ZFYVE27 cause disease.

Literature cited by the submitters: PubMed 16199547.